The following is an entry in ClinVar:

NM_005502.4(ABCA1):c.3626C>T (p.Pro1209Leu)

Gene: ABCA1 (ATP binding cassette subfamily A member 1; minus strand). Cytogenetic location: 9q31.1.
Variant type: single nucleotide variant.
Coding change: c.3626C>T on transcript NM_005502.4 (MANE Select); coding-DNA position 3626, C replaced by T.
Protein change: p.Pro1209Leu; replaces proline 1209 with leucine.
Molecular consequence: missense variant.
Genome position (GRCh38, 1-based): chr9:104,816,255, G>A on the plus strand (C>T on the coding strand, the complement: ABCA1 is on the minus strand). VCF-style: chr9-104816255-G-A. GRCh37 (hg19) VCF-style: chr9-107578536-G-A.
Other names: short protein forms P1209L.
Identifiers: ClinVar variation 2760003 (VCV002760003.3), dbSNP rs1831747849, ClinGen allele CA374318150.

ClinVar aggregate classification (germline): Uncertain significance (1 of 4 stars; one submission).

Allele frequency attached by ClinVar (database versions not stated): gnomAD exomes below 0.00001.
gnomAD v4.1: 1 of 1,614,124 alleles (0.000062%); highest among the groups gnomAD compares: East Asian, 0.0022%; no homozygotes.

Submission:

Labcorp Genetics (formerly Invitae), Labcorp
Classification: Uncertain significance. Last evaluated: 2024-08-30. Review status: criteria provided, single submitter. Criteria: Invitae Variant Classification Sherloc (09022015). Collection method: clinical testing. Allele origin: germline.
Comment: This sequence change replaces proline, which is neutral and non-polar, with leucine, which is neutral and non-polar, at codon 1209 of the ABCA1 protein (p.Pro1209Leu). This variant is not present in population databases (gnomAD no frequency). This variant has not been reported in the literature in individuals affected with ABCA1-related conditions. Invitae Evidence Modeling of protein sequence and biophysical properties (such as structural, functional, and spatial information, amino acid conservation, physicochemical variation, residue mobility, and thermodynamic stability) indicates that this missense variant is expected to disrupt ABCA1 protein function with a positive predictive value of 80%. In summary, the available evidence is currently insufficient to determine the role of this variant in disease. Therefore, it has been classified as a Variant of Uncertain Significance.